The following is an entry in ClinVar:

ClinVar aggregate classification (germline): Conflicting classifications of pathogenicity. Review status: criteria provided, conflicting classifications (1 of 4 stars). 2 submissions from 2 submitters: Uncertain significance (1); Likely benign (1). Last evaluated 2026-02-02.

Allele frequency attached by ClinVar (database versions not stated): gnomAD exomes 0.00001 and 0.00003; gnomAD 0.00001 and 0.00002; ExAC 0.00003.
gnomAD v4.1: 54 of 1,583,348 alleles (0.0034%); highest among the groups gnomAD compares: Middle Eastern, 0.017%; no homozygotes.

Submissions (2):

Labcorp Genetics (formerly Invitae), Labcorp
Classification: Likely benign. Last evaluated: 2026-02-02. Review status: criteria provided, single submitter. Criteria: Invitae Variant Classification Sherloc (09022015). Collection method: clinical testing. Allele origin: germline.

GeneDx
Classification: Uncertain significance. Last evaluated: 2025-10-10. Review status: criteria provided, single submitter. Criteria: GeneDx Variant Classification Process June 2021. Collection method: clinical testing. Allele origin: germline. Affected: yes.
Comment: Not observed at significant frequency in large population cohorts (gnomAD); Identified without a second variant in a patient with auditory neuropathy in published literature (PMID: 19461658); In silico analysis suggests that this variant does not alter splicing; This variant is associated with the following publications: (PMID: 19461658)

NM_194248.3(OTOF):c.5553G>C (p.Leu1851=)

Gene: OTOF (otoferlin; minus strand). Cytogenetic location: 2p23.3.
Variant type: single nucleotide variant.
Coding change: c.5553G>C on transcript NM_194248.3 (MANE Select); coding-DNA position 5553, G replaced by C.
Protein change: p.Leu1851=; no amino-acid change (leucine 1851 retained).
Molecular consequence: synonymous variant.
Genome position (GRCh38, 1-based): chr2:26,461,011, C>G on the plus strand (G>C on the coding strand, the complement: OTOF is on the minus strand). VCF-style: chr2-26461011-C-G. GRCh37 (hg19) VCF-style: chr2-26683879-C-G.
Other names: c.5553G>C, p.Leu1851= (NM_001287489.2); c.3252G>C, p.Leu1084= (NM_004802.4, NM_194323.3); c.3483G>C, p.Leu1161= (NM_194322.3).
Identifiers: ClinVar variation 1695845 (VCV001695845.6), dbSNP rs747844017, ClinGen allele CA1562781.